The following is an entry in ClinVar:

NM_001148.6(ANK2):c.5588C>T (p.Thr1863Met)

Genes: ANK2 (ankyrin 2; plus strand), LOC126807136 (MED14-independent group 3 enhancer GRCh37_chr4:114274931-114276130; plus strand). Cytogenetic location: 4q26.
Variant type: single nucleotide variant.
Coding change: c.5588C>T on transcript NM_001148.6 (MANE Select); coding-DNA position 5588, C replaced by T.
Protein change: p.Thr1863Met; replaces threonine 1863 with methionine.
Molecular consequence: missense variant. On other transcripts: intron variant (68).
Genome position (GRCh38, 1-based): chr4:113,354,206, C>T. VCF-style: chr4-113354206-C-T. GRCh37 (hg19) VCF-style: chr4-114275362-C-T.
Other names: c.5354C>T, p.Thr1785Met (NM_001386142.1); c.1988C>T, p.Thr663Met (NM_001386166.1); c.5729C>T, p.Thr1910Met (NM_001386174.1); c.5705C>T, p.Thr1902Met (NM_001386175.1); c.4411+3957C>T (NM_001386186.2, NM_001386148.2); c.4213+3957C>T (NM_001354269.3); c.4291+3957C>T (NM_001386187.2); c.4252+3957C>T (NM_001386147.1); and 35 more; short protein forms T1863M, T1785M, T1902M, T1910M, T663M.
Identifiers: ClinVar variation 809666 (VCV000809666.21), dbSNP rs536962908, ClinGen allele CA3051259.

ClinVar aggregate classification (germline): Conflicting classifications of pathogenicity. Review status: criteria provided, conflicting classifications (1 of 4 stars). 5 submissions from 5 submitters: Uncertain significance (4); Likely benign (1). Last evaluated 2025-07-25.

Conditions:
Cardiovascular phenotype. Identifiers: MedGen CN230736.
Long QT syndrome (LQTS). Identifiers: MedGen C0023976, MeSH D008133, MONDO:0002442. Disease mechanism: loss of function. Inheritance: Various modes of inheritance.

Allele frequency attached by ClinVar (database versions not stated): gnomAD exomes 0.00001 and 0.00002; ExAC 0.00002; gnomAD 0.00003; TOPMed 0.00003; 1000 Genomes Project 30x 0.00016; 1000 Genomes Project 0.00020.
gnomAD v4.1: 35 of 1,614,006 alleles (0.0022%); highest among the groups gnomAD compares: East Asian, 0.0045%; no homozygotes.

Submissions (5):

Women's Health and Genetics/Laboratory Corporation of America, LabCorp
Classification: Uncertain significance. Last evaluated: 2025-07-25. Review status: criteria provided, single submitter. Criteria: LabCorp Variant Classification Summary - May 2015. Collection method: clinical testing. Allele origin: germline.
Comment: Variant summary: ANK2 c.5588C>T (p.Thr1863Met) results in a non-conservative amino acid change in the encoded protein sequence. Algorithms developed to predict the effect of missense changes on protein structure and function are either unavailable or do not agree on the potential impact of this missense change. The variant allele was found at a frequency of 1.2e-05 in 251214 control chromosomes (gnomAD). The available data on variant occurrences in the general population are insufficient to allow any conclusion about variant significance. c.5588C>T has been observed in one individual affected with autism spectrum disorder (Guo_2018). The report does not provide unequivocal conclusions about association of the variant with Arrhythmia. To our knowledge, no experimental evidence demonstrating an impact on protein function has been reported. The following publication have been ascertained in the context of this evaluation (PMID: 30564305). ClinVar contains an entry for this variant (Variation ID: 809666). Based on the evidence outlined above, the variant was classified as uncertain significance.

Ambry Genetics
Classification: Likely benign for Cardiovascular phenotype. Last evaluated: 2024-12-26. Review status: criteria provided, single submitter. Criteria: Ambry Variant Classification Scheme 2023. Collection method: clinical testing. Allele origin: germline.

Revvity Omics, Revvity
Classification: Uncertain significance. Last evaluated: 2024-05-23. Review status: criteria provided, single submitter. Criteria: ACMG Guidelines, 2015. Collection method: clinical testing. Allele origin: germline.

Labcorp Genetics (formerly Invitae), Labcorp
Classification: Uncertain significance for Long QT syndrome. Last evaluated: 2024-01-02. Review status: criteria provided, single submitter. Criteria: Invitae Variant Classification Sherloc (09022015). Collection method: clinical testing. Allele origin: germline.
Comment: This sequence change replaces threonine, which is neutral and polar, with methionine, which is neutral and non-polar, at codon 1863 of the ANK2 protein (p.Thr1863Met). This variant is present in population databases (rs536962908, gnomAD 0.005%). This variant has not been reported in the literature in individuals affected with ANK2-related conditions. ClinVar contains an entry for this variant (Variation ID: 809666). Algorithms developed to predict the effect of missense changes on protein structure and function output the following: SIFT: "Not Available"; PolyPhen-2: "Benign"; Align-GVGD: "Not Available". The methionine amino acid residue is found in multiple mammalian species, which suggests that this missense change does not adversely affect protein function. In summary, the available evidence is currently insufficient to determine the role of this variant in disease. Therefore, it has been classified as a Variant of Uncertain Significance.

GeneDx
Classification: Uncertain significance. Last evaluated: 2023-09-12. Review status: criteria provided, single submitter. Criteria: GeneDx Variant Classification Process June 2021. Collection method: clinical testing. Allele origin: germline. Affected: yes.
Comment: Not observed at significant frequency in large population cohorts (gnomAD); In silico analysis supports that this missense variant does not alter protein structure/function; Identified as a paternally-inherited variant in a patient with autism (Guo et al., 2018); This variant is associated with the following publications: (PMID: 30564305)

Literature cited by the submitters: PubMed 30564305 (cited by Women's Health and Genetics/Laboratory Corporation of America, LabCorp).